The following is an entry in ClinVar:

ClinVar aggregate classification (germline): Likely benign. Review status: criteria provided, multiple submitters, no conflicts (2 of 4 stars). 2 submissions from 2 submitters: Likely benign (2). Last evaluated 2024-07-15.

Conditions:
BAP1-related tumor predisposition syndrome (TPDS1). Also called: Tumor susceptibility linked to germline BAP1 mutations; BAP1 tumor predisposition syndrome; COMMON Syndrome; TUMOR PREDISPOSITION SYNDROME 1. Identifiers: Orphanet 289539, MedGen C3280492, MONDO:0013692, OMIM 614327.
Hereditary cancer-predisposing syndrome. Also called: Hereditary Cancer Syndrome; Neoplastic Syndromes, Hereditary; Tumor predisposition; Hereditary neoplastic syndrome. Identifiers: Orphanet 140162, MedGen C0027672, MeSH D009386, MONDO:0015356.

Allele frequency attached by ClinVar (database versions not stated): gnomAD exomes below 0.00001.
gnomAD v4.1: 1 of 1,612,234 alleles (0.000062%); highest among the groups gnomAD compares: Non-Finnish European, 0.000085%; no homozygotes.

Submissions (2):

Myriad Genetics, Inc.
Classification: Likely benign for BAP1-related tumor predisposition syndrome. Last evaluated: 2024-07-15. Review status: criteria provided, single submitter. Criteria: Myriad Autosomal Dominant, Autosomal Recessive and X-Linked Classification Criteria (2023). Collection method: clinical testing. Allele origin: unknown.
Comment: This variant is considered likely benign. This variant is intronic and is not expected to impact mRNA splicing.

Color Diagnostics, LLC DBA Color Health
Classification: Likely benign for Hereditary cancer-predisposing syndrome. Last evaluated: 2017-02-23. Review status: criteria provided, single submitter. Criteria: ACMG Guidelines, 2015. Collection method: clinical testing. Allele origin: germline.

NM_004656.4(BAP1):c.1117-9T>C

Gene: BAP1 (BRCA1 associated deubiquitinase 1; minus strand). Cytogenetic location: 3p21.1.
Variant type: single nucleotide variant.
Coding change: c.1117-9T>C on transcript NM_004656.4 (MANE Select); 9 bases into the intron before coding-DNA position 1117, T replaced by C.
Molecular consequence: intron variant.
Genome position (GRCh38, 1-based): chr3:52,404,595, A>G on the plus strand (T>C on the coding strand, the complement: BAP1 is on the minus strand). VCF-style: chr3-52404595-A-G. GRCh37 (hg19) VCF-style: chr3-52438611-A-G.
Identifiers: ClinVar variation 490772 (VCV000490772.4), dbSNP rs1553645191, ClinGen allele CA658683351.